The following is an entry in ClinVar:

ClinVar aggregate classification (germline): Uncertain significance (1 of 4 stars; one submission).

Conditions:
Cardiovascular phenotype. Identifiers: MedGen CN230736.

Submission:

Ambry Genetics
Classification: Uncertain significance for Cardiovascular phenotype. Last evaluated: 2026-05-14. Review status: criteria provided, single submitter. Criteria: Ambry Variant Classification Scheme 2023. Collection method: clinical testing. Allele origin: germline.
Comment: The p.G486R variant (also known as c.1456G>C), located in coding exon 6 of the PKP2 gene, results from a G to C substitution at nucleotide position 1456. The glycine at codon 486 is replaced by arginine, an amino acid with dissimilar properties. This amino acid position is conserved. In addition, this alteration is predicted to be tolerated by in silico analysis. Based on the available evidence, the clinical significance of this variant remains unclear.

NM_001005242.3(PKP2):c.1379-2031G>C

Gene: PKP2 (plakophilin 2; minus strand). Cytogenetic location: 12p11.21.
Variant type: single nucleotide variant.
Coding change: c.1379-2031G>C on transcript NM_001005242.3 (MANE Select); 2031 bases into the intron before coding-DNA position 1379, G replaced by C.
Molecular consequence: intron variant. On other transcripts: missense variant (2).
Genome position (GRCh38, 1-based): chr12:32,843,236, C>G on the plus strand (G>C on the coding strand, the complement: PKP2 is on the minus strand). VCF-style: chr12-32843236-C-G. GRCh37 (hg19) VCF-style: chr12-32996170-C-G.
Other names: c.1379-2031G>C (NM_001407156.1, NM_001407155.1, NM_001407161.1); c.1052-2031G>C (NM_001407160.1, NM_001407159.1, NM_001407158.1 and 1 more transcripts); c.1456G>C, p.Gly486Arg (NM_001407157.1, NM_004572.4); short protein forms G486R.
Identifiers: ClinVar variation 4861998 (VCV004861998.1).
Genomic context (GRCh38, chr12:32,843,236, plus strand): 5'-TCTCACCATGTTGGTCAGGCTGGTCTCGAACTCCTGACCTCGTGATCCGCCCGCCTTGGC[C>G]TCCCAAAGTGCTGGGATTACAGGCGTGAGCCACCGCGCCCGGCCAGCCATTCCTACTTCT-3'